The following is an entry in ClinVar:

ClinVar aggregate classification (germline): Uncertain significance (1 of 4 stars; one submission).

Submission:

CeGaT Center for Human Genetics Tuebingen
Classification: Uncertain significance. Last evaluated: 2025-03-01. Review status: criteria provided, single submitter. Criteria: CeGaT Center For Human Genetics Tuebingen Variant Classification Criteria Version 2. Collection method: clinical testing. Allele origin: germline. Affected: yes. Observed: 1 variant allele.
Comment: SPEN: PM2

NM_015001.3(SPEN):c.9877G>A (p.Val3293Met)

Gene: SPEN (spen family transcriptional repressor; plus strand). Cytogenetic location: 1p36.13.
Variant type: single nucleotide variant.
Coding change: c.9877G>A on transcript NM_015001.3 (MANE Select); coding-DNA position 9877, G replaced by A.
Protein change: p.Val3293Met; replaces valine 3293 with methionine.
Molecular consequence: missense variant.
Genome position (GRCh38, 1-based): chr1:15,936,117, G>A. VCF-style: chr1-15936117-G-A. GRCh37 (hg19) VCF-style: chr1-16262612-G-A.
Other names: short protein forms V3293M.
Identifiers: ClinVar variation 3778532 (VCV003778532.7).